The following is an entry in ClinVar:

NM_000295.5(SERPINA1):c.701T>A (p.Val234Glu)

Gene: SERPINA1 (serpin family A member 1; minus strand). Cytogenetic location: 14q32.13.
Variant type: single nucleotide variant.
Coding change: c.701T>A on transcript NM_000295.5 (MANE Select); coding-DNA position 701, T replaced by A.
Protein change: p.Val234Glu; replaces valine 234 with glutamic acid.
Molecular consequence: missense variant.
Genome position (GRCh38, 1-based): chr14:94,381,087, A>T on the plus strand (T>A on the coding strand, the complement: SERPINA1 is on the minus strand). VCF-style: chr14-94381087-A-T. GRCh37 (hg19) VCF-style: chr14-94847424-A-T.
Other names: c.701T>A, p.Val234Glu (NM_001002235.3, NM_001002236.3, NM_001127700.2 and 7 more transcripts); short protein forms V234E.
Identifiers: ClinVar variation 315025 (VCV000315025.25), dbSNP rs746197812, ClinGen allele CA7327424.
Genomic context (GRCh38, chr14:94,381,087, plus strand): 5'-TGGATGTTAAACATGCCTAAACGCTTCATCATAGGCACCTTCACGGTGGTCACCTGGTCC[A>T]CGTGGAAGTCCTCTTCCTCGGTGTCCTTGACTTCAAAGGGTCTCTCCCATTTGCCTGGAG-3'
Protein context (NP_000286.3, residues 224-244): VKDTEEEDFH[Val234Glu]DQVTTVKVPM

ClinVar aggregate classification (germline): Conflicting classifications of pathogenicity. Review status: criteria provided, conflicting classifications (1 of 4 stars). 6 submissions from 6 submitters: Likely pathogenic (2); Uncertain significance (4). Last evaluated 2026-04-01.

Conditions:
Alpha-1-antitrypsin deficiency (A1ATD). Also called: AAT deficiency; A1AT deficiency; Alpha1-Antitrypsin Deficiency. Identifiers: Orphanet 60, MedGen C0221757, MONDO:0013282, OMIM 613490.

Allele frequency attached by ClinVar (database versions not stated): ExAC 0.00002; gnomAD exomes 0.00002 and 0.00004.

Submissions (6):

CeGaT Center for Human Genetics Tuebingen
Classification: Uncertain significance. Last evaluated: 2026-04-01. Review status: criteria provided, single submitter. Criteria: CeGaT Center For Human Genetics Tuebingen Variant Classification Criteria Version 2. Collection method: clinical testing. Allele origin: germline. Affected: yes. Observed: 2 variant alleles.
Comment: SERPINA1: PM2, PS3:Supporting

Greenwood Genetic Center Diagnostic Laboratories, Greenwood Genetic Center
Classification: Likely pathogenic for Alpha-1-antitrypsin deficiency. Last evaluated: 2025-10-23. Review status: criteria provided, single submitter. Criteria: ACMG Guidelines, 2015. Collection method: clinical testing. Allele origin: germline. Affected: yes.
Comment: PS3_Supporting, PM1, PM2, PP3

Baylor Genetics
Classification: Likely pathogenic for Alpha-1-antitrypsin deficiency. Last evaluated: 2022-11-30. Review status: criteria provided, single submitter. Criteria: ACMG Guidelines, 2015. Collection method: clinical testing. Allele origin: unknown.

Fulgent Genetics
Classification: Uncertain significance for Alpha-1-antitrypsin deficiency. Last evaluated: 2022-04-15. Review status: criteria provided, single submitter. Criteria: ACMG Guidelines, 2015. Collection method: clinical testing. Allele origin: unknown.

Eurofins Ntd Llc (ga)
Classification: Uncertain significance. Last evaluated: 2018-05-07. Review status: criteria provided, single submitter. Criteria: EGL ClinVar v180209 classification definitions. Collection method: clinical testing. Allele origin: germline. Observed: 1 variant allele, 1 heterozygote.

Illumina Laboratory Services, Illumina
Classification: Uncertain significance for Alpha-1-antitrypsin deficiency. Last evaluated: 2018-01-13. Review status: criteria provided, single submitter. Criteria: ICSL Variant Classification Criteria 13 December 2019. Collection method: clinical testing. Allele origin: germline.